The following is an entry in ClinVar:

ClinVar aggregate classification (germline): Uncertain significance (1 of 4 stars; one submission).

Submission:

Labcorp Genetics (formerly Invitae), Labcorp
Classification: Uncertain significance. Last evaluated: 2022-10-26. Review status: criteria provided, single submitter. Criteria: Invitae Variant Classification Sherloc (09022015). Collection method: clinical testing. Allele origin: germline.
Comment: In summary, the available evidence is currently insufficient to determine the role of this variant in disease. Therefore, it has been classified as a Variant of Uncertain Significance. Advanced modeling of protein sequence and biophysical properties (such as structural, functional, and spatial information, amino acid conservation, physicochemical variation, residue mobility, and thermodynamic stability) performed at Invitae indicates that this missense variant is expected to disrupt C3 protein function. This variant has not been reported in the literature in individuals affected with C3-related conditions. This variant is not present in population databases (gnomAD no frequency). This sequence change replaces methionine, which is neutral and non-polar, with valine, which is neutral and non-polar, at codon 1400 of the C3 protein (p.Met1400Val).

NM_000064.4(C3):c.4198A>G (p.Met1400Val)

Gene: C3 (complement C3; minus strand). Cytogenetic location: 19p13.3.
Variant type: single nucleotide variant.
Coding change: c.4198A>G on transcript NM_000064.4 (MANE Select); coding-DNA position 4198, A replaced by G.
Protein change: p.Met1400Val; replaces methionine 1400 with valine.
Molecular consequence: missense variant.
Genome position (GRCh38, 1-based): chr19:6,682,204, T>C on the plus strand (A>G on the coding strand, the complement: C3 is on the minus strand). VCF-style: chr19-6682204-T-C. GRCh37 (hg19) VCF-style: chr19-6682215-T-C.
Other names: short protein forms M1400V.
Identifiers: ClinVar variation 2809822 (VCV002809822.3), dbSNP rs1232937699, ClinGen allele CA403615482.